The following is an entry in ClinVar:

NM_001003694.2(BRPF1):c.737A>G (p.Glu246Gly)

Gene: BRPF1 (bromodomain and PHD finger containing 1; plus strand). Cytogenetic location: 3p25.3.
Variant type: single nucleotide variant.
Coding change: c.737A>G on transcript NM_001003694.2 (MANE Select); coding-DNA position 737, A replaced by G.
Protein change: p.Glu246Gly; replaces glutamic acid 246 with glycine.
Molecular consequence: missense variant. On other transcripts: non-coding transcript variant (1).
Genome position (GRCh38, 1-based): chr3:9,739,136, A>G. VCF-style: chr3-9739136-A-G. GRCh37 (hg19) VCF-style: chr3-9780820-A-G.
Other names: c.737A>G, p.Glu246Gly (NM_001319049.2, NM_001319050.2, NM_001410704.1 and 1 more transcripts); short protein forms E246G.
Identifiers: ClinVar variation 2628571 (VCV002628571.1), dbSNP rs749554115, ClinGen allele CA2241770.
Genomic context (GRCh38, chr3:9,739,136, plus strand): 5'-ATATCATGAATGAGCGTCGGAAGACAGAGGGTGTAAGTCCCATCCCGCAGGAGATCTTTG[A>G]GTACCTAATGGACCGACTGGAGAAGGAGTCGTACTTTGAGAGTCATAATAAAGGCGACCC-3'
Protein context (NP_001003694.1, residues 236-256): GVSPIPQEIF[Glu246Gly]YLMDRLEKES

ClinVar aggregate classification (germline): Uncertain significance (1 of 4 stars; one submission).

Conditions:
BRPF1-related disorder. Also called: BRPF1-related condition.

Allele frequency attached by ClinVar (database versions not stated): gnomAD exomes below 0.00001; TOPMed below 0.00001; ExAC 0.00001; gnomAD 0.00001.
gnomAD v4.1: 2 of 1,613,966 alleles (0.00012%); highest among the groups gnomAD compares: African/African-American, 0.0013%; no homozygotes.

Submission:

PreventionGenetics, part of Exact Sciences
Classification: Uncertain significance for BRPF1-related condition. Last evaluated: 2023-02-13. Review status: criteria provided, single submitter. Criteria: ACMG Guidelines, 2015. Collection method: clinical testing. Allele origin: germline.
Comment: The BRPF1 c.737A>G variant is predicted to result in the amino acid substitution p.Glu246Gly. To our knowledge, this variant has not been reported in the literature. This variant is reported in 0.0062% of alleles in individuals of African descent in gnomAD. At this time, the clinical significance of this variant is uncertain due to the absence of conclusive functional and genetic evidence.